The following is an entry in ClinVar:

NM_020312.4(COQ9):c.915A>C (p.Ala305=)

Gene: COQ9 (coenzyme Q9; plus strand). Cytogenetic location: 16q21.
Variant type: single nucleotide variant.
Coding change: c.915A>C on transcript NM_020312.4 (MANE Select); coding-DNA position 915, A replaced by C.
Protein change: p.Ala305=; no amino-acid change (alanine 305 retained).
Molecular consequence: synonymous variant.
Genome position (GRCh38, 1-based): chr16:57,460,098, A>C. VCF-style: chr16-57460098-A-C. GRCh37 (hg19) VCF-style: chr16-57494010-A-C.
Identifiers: ClinVar variation 3030871 (VCV003030871.2), dbSNP rs756608060, ClinGen allele CA8076385.

ClinVar aggregate classification (germline): Likely benign (0 of 4 stars; one submission).

Conditions:
COQ9-related disorder. Also called: COQ9-related condition.

Allele frequency attached by ClinVar (database versions not stated): TOPMed below 0.00001; gnomAD exomes 0.00001; ExAC 0.00002.
gnomAD v4.1: 17 of 1,614,168 alleles (0.0011%); highest among the groups gnomAD compares: Non-Finnish European, 0.0013%; no homozygotes.

Submission:

PreventionGenetics, part of Exact Sciences
Classification: Likely benign for COQ9-related condition. Last evaluated: 2022-03-22. Review status: no assertion criteria provided. Collection method: clinical testing. Allele origin: germline.
Comment: This variant is classified as likely benign based on ACMG/AMP sequence variant interpretation guidelines (Richards et al. 2015 PMID: 25741868, with internal and published modifications).